The following is an entry in ClinVar:

ClinVar aggregate classification (germline): Likely benign (0 of 4 stars; one submission).

Conditions:
ZNF592-related disorder. Also called: ZNF592-related condition.

gnomAD v4.1: 1 of 1,614,126 alleles (0.000062%); highest among the groups gnomAD compares: Non-Finnish European, 0.000085%; no homozygotes.

Submission:

PreventionGenetics, part of Exact Sciences
Classification: Likely benign for ZNF592-related condition. Last evaluated: 2019-07-23. Review status: no assertion criteria provided. Collection method: clinical testing. Allele origin: germline.
Comment: This variant is classified as likely benign based on ACMG/AMP sequence variant interpretation guidelines (Richards et al. 2015 PMID: 25741868, with internal and published modifications).

NM_014630.3(ZNF592):c.3102C>T (p.Asn1034=)

Gene: ZNF592 (zinc finger protein 592; plus strand). Cytogenetic location: 15q25.3.
Variant type: single nucleotide variant.
Coding change: c.3102C>T on transcript NM_014630.3 (MANE Select); coding-DNA position 3102, C replaced by T.
Protein change: p.Asn1034=; no amino-acid change (asparagine 1034 retained).
Molecular consequence: synonymous variant.
Genome position (GRCh38, 1-based): chr15:84,799,175, C>T. VCF-style: chr15-84799175-C-T. GRCh37 (hg19) VCF-style: chr15-85342406-C-T.
Identifiers: ClinVar variation 3350825 (VCV003350825.1).